The following is an entry in ClinVar:

ClinVar aggregate classification (germline): Uncertain significance (1 of 4 stars; one submission).

gnomAD v4.1: 1 of 1,614,044 alleles (0.000062%); highest among the groups gnomAD compares: African/African-American, 0.0013%; no homozygotes.

Submission:

CeGaT Center for Human Genetics Tuebingen
Classification: Uncertain significance. Last evaluated: 2024-07-01. Review status: criteria provided, single submitter. Criteria: CeGaT Center For Human Genetics Tuebingen Variant Classification Criteria Version 2. Collection method: clinical testing. Allele origin: germline. Affected: yes. Observed: 1 variant allele.
Comment: FAT2: PM2

NM_001447.3(FAT2):c.9944A>G (p.Asn3315Ser)

Genes: FAT2 (FAT atypical cadherin 2; minus strand), SLC36A1 (solute carrier family 36 member 1; plus strand). Cytogenetic location: 5q33.1.
Variant type: single nucleotide variant.
Coding change: c.9944A>G on transcript NM_001447.3 (MANE Select); coding-DNA position 9944, A replaced by G.
Protein change: p.Asn3315Ser; replaces asparagine 3315 with serine.
Molecular consequence: missense variant.
Genome position (GRCh38, 1-based): chr5:151,529,260, T>C on the plus strand (A>G on the coding strand, the complement: FAT2 is on the minus strand). VCF-style: chr5-151529260-T-C. GRCh37 (hg19) VCF-style: chr5-150908821-T-C.
Other names: short protein forms N3315S.
Identifiers: ClinVar variation 3257163 (VCV003257163.17).